The following is an entry in ClinVar:

NM_001376.5(DYNC1H1):c.2244del (p.Glu749fs)

Gene: DYNC1H1 (dynein cytoplasmic 1 heavy chain 1; plus strand). Cytogenetic location: 14q32.31.
Variant type: Deletion.
Coding change: c.2244del on transcript NM_001376.5 (MANE Select); coding-DNA position 2244, one base deleted (A; older notation c.2244delA).
Protein change: p.Glu749fs; shifts the reading frame from glutamic acid 749.
Molecular consequence: frameshift variant.
Genome position (GRCh38, 1-based): chr14:101,986,469, A deleted; the last of 3 consecutive A bases (chr14:101,986,467-101,986,469); deleting any one gives the same sequence. VCF-style (leftmost placement, unchanged base first): chr14-101986466-CA-C. GRCh37 (hg19) VCF-style: chr14-102452803-CA-C.
Other names: c.2244delA, p.Glu749Lysfs (NM_001376.4); short protein forms E749fs.
Identifiers: ClinVar variation 2582067 (VCV002582067.1), dbSNP rs2503695796, ClinGen allele CA2582341769.

ClinVar aggregate classification (germline): Uncertain significance (1 of 4 stars; one submission).

Submission:

GeneDx
Classification: Uncertain significance. Last evaluated: 2023-03-22. Review status: criteria provided, single submitter. Criteria: GeneDx Variant Classification Process June 2021. Collection method: clinical testing. Allele origin: germline. Affected: yes.
Comment: Frameshift variant predicted to result in protein truncation or nonsense mediated decay in a gene or region of a gene for which loss of function is not a well-established mechanism of disease; Not observed at significant frequency in large population cohorts (gnomAD); Has not been previously published as pathogenic or benign to our knowledge